The following is an entry in ClinVar:

NM_203446.3(SYNJ1):c.2461+4G>A

Gene: SYNJ1 (synaptojanin 1; minus strand). Cytogenetic location: 21q22.11.
Variant type: single nucleotide variant.
Coding change: c.2461+4G>A on transcript NM_203446.3 (MANE Select); 4 bases into the intron after coding-DNA position 2461, G replaced by A.
Molecular consequence: intron variant.
Genome position (GRCh38, 1-based): chr21:32,657,712, C>T on the plus strand (G>A on the coding strand, the complement: SYNJ1 is on the minus strand). VCF-style: chr21-32657712-C-T. GRCh37 (hg19) VCF-style: chr21-34030022-C-T.
Other names: c.2578+4G>A (NM_003895.4); c.2461+4G>A (NM_001160302.2); c.2446+4G>A (NM_001160306.2).
Identifiers: ClinVar variation 1442126 (VCV001442126.6), dbSNP rs538934316, ClinGen allele CA10003666.

ClinVar aggregate classification (germline): Uncertain significance (1 of 4 stars; one submission).

Conditions:
Developmental and epileptic encephalopathy, 53. Also called: Epileptic encephalopathy, early infantile, 53. Identifiers: MedGen C4479313, MONDO:0033362, OMIM 617389.
Early-onset Parkinson disease 20. Also called: PARKINSON DISEASE 20, AUTOSOMAL RECESSIVE EARLY-ONSET. Identifiers: Orphanet 391411, MedGen C3809824, MONDO:0014233, OMIM 615530.

Allele frequency attached by ClinVar (database versions not stated): ExAC 0.00003; gnomAD exomes 0.00003; gnomAD 0.00004 and 0.00005; 1000 Genomes Project 30x 0.00016; 1000 Genomes Project 0.00020.
gnomAD v4.1: 14 of 1,583,670 alleles (0.00088%); highest among the groups gnomAD compares: African/African-American, 0.018%; no homozygotes.

Submission:

Labcorp Genetics (formerly Invitae), Labcorp
Classification: Uncertain significance for Developmental and epileptic encephalopathy, 53; Early-onset Parkinson disease 20. Last evaluated: 2025-10-10. Review status: criteria provided, single submitter. Criteria: Invitae Variant Classification Sherloc (09022015). Collection method: clinical testing. Allele origin: germline.
Comment: This sequence change falls in intron 19 of the SYNJ1 gene. It does not directly change the encoded amino acid sequence of the SYNJ1 protein. It affects a nucleotide within the consensus splice site. This variant is present in population databases (rs538934316, gnomAD 0.03%). This variant has not been reported in the literature in individuals affected with SYNJ1-related conditions. ClinVar contains an entry for this variant (Variation ID: 1442126). Variants that disrupt the consensus splice site are a relatively common cause of aberrant splicing (PMID: 17576681, 9536098). Algorithms developed to predict the effect of sequence changes on RNA splicing suggest that this variant is not likely to affect RNA splicing. In summary, the available evidence is currently insufficient to determine the role of this variant in disease. Therefore, it has been classified as a Variant of Uncertain Significance.

Literature cited by the submitters: PubMed 17576681; PubMed 9536098.